The following is an entry in ClinVar:

ClinVar aggregate classification (germline): Uncertain significance (1 of 4 stars; one submission).

Conditions:
Malignant hyperthermia, susceptibility to, 5 (MHS5). Also called: CACNA1S-Related Malignant Hyperthermia Susceptibility. Identifiers: Orphanet 423, MedGen C1866077, MONDO:0011163, OMIM 601887.

Submission:

All of Us Research Program, National Institutes of Health
Classification: Uncertain significance for Malignant hyperthermia, susceptibility to, 5. Last evaluated: 2023-06-26. Review status: criteria provided, single submitter. Criteria: ACMG Guidelines, 2015. Collection method: clinical testing. Allele origin: germline. Inheritance: Autosomal dominant inheritance. Observed: 1 variant allele, 1 heterozygote.
Comment: This missense variant replaces serine with arginine at codon 993 of the CACNA1S protein. Computational prediction suggests that this variant may not impact protein structure and function (internally defined REVEL score threshold <= 0.5, PMID: 27666373). To our knowledge, functional studies have not been reported for this variant. This variant has not been reported in individuals affected with CACNA1S-related disorders in the literature. This variant has not been identified in the general population by the Genome Aggregation Database (gnomAD). The available evidence is insufficient to determine the role of this variant in disease conclusively. Therefore, this variant is classified as a Variant of Uncertain Significance.

This study involves interpretation of variants in research participants for the purpose of population health screening. Participant phenotype was not available at the time of variant classification. Additional details can be found in publication PMID: 35346344, PMCID: PMC8962531

NM_000069.3(CACNA1S):c.2979C>G (p.Ser993Arg)

Gene: CACNA1S (calcium voltage-gated channel subunit alpha1 S; minus strand). Cytogenetic location: 1q32.1.
Variant type: single nucleotide variant.
Coding change: c.2979C>G on transcript NM_000069.3 (MANE Select); coding-DNA position 2979, C replaced by G.
Protein change: p.Ser993Arg; replaces serine 993 with arginine.
Molecular consequence: missense variant.
Genome position (GRCh38, 1-based): chr1:201,062,018, G>C on the plus strand (C>G on the coding strand, the complement: CACNA1S is on the minus strand). VCF-style: chr1-201062018-G-C. GRCh37 (hg19) VCF-style: chr1-201031146-G-C.
Other names: short protein forms S993R.
Identifiers: ClinVar variation 3071901 (VCV003071901.1), dbSNP rs146497999, ClinGen allele CA344163417.